The following is an entry in ClinVar:

NM_203446.3(SYNJ1):c.-30A>G

Gene: SYNJ1 (synaptojanin 1; minus strand). Cytogenetic location: 21q22.11.
Variant type: single nucleotide variant.
Coding change: c.-30A>G on transcript NM_203446.3 (MANE Select); 30 bases upstream of the start codon, A replaced by G.
Molecular consequence: 5 prime UTR variant. On other transcripts: missense variant (1).
Genome position (GRCh38, 1-based): chr21:32,727,953, T>C on the plus strand (A>G on the coding strand, the complement: SYNJ1 is on the minus strand). VCF-style: chr21-32727953-T-C. GRCh37 (hg19) VCF-style: chr21-34100264-T-C.
Other names: c.88A>G, p.Arg30Gly (NM_003895.4); short protein forms R30G.
Identifiers: ClinVar variation 1019696 (VCV001019696.11), dbSNP rs2043551030, ClinGen allele CA410078637.

ClinVar aggregate classification (germline): Uncertain significance (1 of 4 stars; one submission).

Conditions:
Developmental and epileptic encephalopathy, 53. Also called: Epileptic encephalopathy, early infantile, 53. Identifiers: MedGen C4479313, MONDO:0033362, OMIM 617389.
Early-onset Parkinson disease 20. Also called: PARKINSON DISEASE 20, AUTOSOMAL RECESSIVE EARLY-ONSET. Identifiers: Orphanet 391411, MedGen C3809824, MONDO:0014233, OMIM 615530.

Allele frequency attached by ClinVar (database versions not stated): gnomAD exomes below 0.00001.
gnomAD v4.1: 2 of 1,533,388 alleles (0.00013%); highest among the groups gnomAD compares: Non-Finnish European, 0.00017%; no homozygotes.

Submission:

Labcorp Genetics (formerly Invitae), Labcorp
Classification: Uncertain significance for Developmental and epileptic encephalopathy, 53; Early-onset Parkinson disease 20. Last evaluated: 2022-06-13. Review status: criteria provided, single submitter. Criteria: Invitae Variant Classification Sherloc (09022015). Collection method: clinical testing. Allele origin: germline.
Comment: This sequence change replaces arginine, which is basic and polar, with glycine, which is neutral and non-polar, at codon 30 of the SYNJ1 protein (p.Arg30Gly). This variant is not present in population databases (gnomAD no frequency). This variant has not been reported in the literature in individuals affected with SYNJ1-related conditions. ClinVar contains an entry for this variant (Variation ID: 1019696). Algorithms developed to predict the effect of missense changes on protein structure and function output the following: SIFT: "Deleterious"; PolyPhen-2: "Benign"; Align-GVGD: "Class C0". The glycine amino acid residue is found in multiple mammalian species, which suggests that this missense change does not adversely affect protein function. In summary, the available evidence is currently insufficient to determine the role of this variant in disease. Therefore, it has been classified as a Variant of Uncertain Significance.